The following is an entry in ClinVar:

ClinVar aggregate classification (germline): Benign (1 of 4 stars; one submission).

Conditions:
Leigh syndrome (NULS). Also called: Leigh's necrotizing encephalopathy; Leigh's disease; Leigh's syndrome; LEIGH SYNDROME, NUCLEAR; Leigh Syndrome (mtDNA deletion); Leigh Disease. Identifiers: Orphanet 506, MedGen C2931891, MONDO:0009723, OMIM 256000.

Submission:

Wong Mito Lab, Molecular and Human Genetics, Baylor College of Medicine
Classification: Benign for Leigh syndrome. Last evaluated: 2019-10-17. Review status: criteria provided, single submitter. Criteria: Modified ACMG Guidelines (Unpublished). Collection method: clinical testing. Allele origin: germline.
Comment: The NC_012920.1:m.15824A>G (YP_003024038.1:p.Thr360Ala) variant in MTCYB gene is interpretated to be a Benign variant based on the modified ACMG guidelines (unpublished). This variant meets the following evidence codes: BA1

NC_012920.1(MT-CYB):m.15824A>G

Gene: MT-CYB (mitochondrially encoded cytochrome b; plus strand).
Variant type: single nucleotide variant.
Genome position: chrM-15824-A-G.
Identifiers: ClinVar variation 693960 (VCV000693960.1), dbSNP rs28357376, ClinGen allele CA337100537.